The following is an entry in ClinVar:

ClinVar aggregate classification (germline): Likely pathogenic (1 of 4 stars; one submission).

Submission:

CeGaT Center for Human Genetics Tuebingen
Classification: Likely pathogenic. Last evaluated: 2025-07-01. Review status: criteria provided, single submitter. Criteria: CeGaT Center For Human Genetics Tuebingen Variant Classification Criteria Version 2. Collection method: clinical testing. Allele origin: germline. Affected: yes. Observed: 1 variant allele.
Comment: COL1A2: PM1:Strong, PM2, PS2:Moderate, PP3

NM_000089.4(COL1A2):c.1424G>A (p.Gly475Asp)

Gene: COL1A2 (collagen type I alpha 2 chain; plus strand). Cytogenetic location: 7q21.3.
Variant type: single nucleotide variant.
Coding change: c.1424G>A on transcript NM_000089.4 (MANE Select); coding-DNA position 1424, G replaced by A.
Protein change: p.Gly475Asp; replaces glycine 475 with aspartic acid.
Molecular consequence: missense variant.
Genome position (GRCh38, 1-based): chr7:94,412,603, G>A. VCF-style: chr7-94412603-G-A. GRCh37 (hg19) VCF-style: chr7-94041915-G-A.
Other names: short protein forms G475D.
Identifiers: ClinVar variation 4085626 (VCV004085626.8).